The following is an entry in ClinVar:

ClinVar aggregate classification (germline): Benign/Likely benign. Review status: criteria provided, multiple submitters, no conflicts (2 of 4 stars). 8 submissions from 8 submitters: Benign (1); Likely benign (4). 3 of the submissions do not count toward it. Last evaluated 2026-01-05.

Conditions:
Breast-ovarian cancer, familial, susceptibility to, 1 (BROVCA1). Also called: BRCA1 Hereditary Breast and Ovarian Cancer; OVARIAN CANCER, SUSCEPTIBILITY TO. Identifiers: Orphanet 145, MedGen C2676676, MONDO:0011450, OMIM 604370. Disease mechanism: loss of function.
Hereditary breast ovarian cancer syndrome. Also called: Breast and ovarian cancer; Hereditary breast and ovarian cancer; Hereditary breast and ovarian cancer syndrome; Hereditary breast and/or ovarian cancer syndrome; BRCA1- and BRCA2-Associated Hereditary Breast and Ovarian Cancer; Hereditary breast and ovarian cancer syndrome (HBOC). Identifiers: Orphanet 145, MedGen C0677776, MeSH D061325, MONDO:0003582. Disease mechanism: loss of function.
Hereditary cancer-predisposing syndrome. Also called: Tumor predisposition; Hereditary Cancer Syndrome; Neoplastic Syndromes, Hereditary; Hereditary neoplastic syndrome. Identifiers: Orphanet 140162, MedGen C0027672, MeSH D009386, MONDO:0015356.

Allele frequency attached by ClinVar (database versions not stated): gnomAD 0.00010 and 0.00019; gnomAD exomes 0.00017 and 0.00032; TOPMed 0.00020; ExAC 0.00043; 1000 Genomes Project 30x 0.00047; 1000 Genomes Project 0.00060; ESP Exome Variant Server 0.00008.
gnomAD v4.1: 266 of 1,536,138 alleles (0.017%); highest among the groups gnomAD compares: East Asian, 0.24%; no homozygotes.

Submissions (8):

Labcorp Genetics (formerly Invitae), Labcorp
Classification: Benign for Hereditary breast ovarian cancer syndrome. Last evaluated: 2026-01-05. Review status: criteria provided, single submitter. Criteria: Invitae Variant Classification Sherloc (09022015). Collection method: clinical testing. Allele origin: germline.

Center for Genomic Medicine, Rigshospitalet, Copenhagen University Hospital
Classification: Likely benign. Last evaluated: 2025-03-04. Review status: criteria provided, single submitter. Criteria: ACMG Guidelines, 2015. Collection method: clinical testing. Allele origin: germline.

Sema4
Classification: Likely benign for Hereditary cancer-predisposing syndrome. Last evaluated: 2021-04-20. Review status: criteria provided, single submitter. Criteria: Sema4 Curation Guidelines. Collection method: curation. Allele origin: germline.

GeneDx
Classification: Likely benign. Last evaluated: 2020-06-25. Review status: criteria provided, single submitter. Criteria: GeneDx Variant Classification Process June 2021. Collection method: clinical testing. Allele origin: germline. Affected: yes.
Comment: This variant is associated with the following publications: (PMID: 31992191, 11102978, 30415210, 29168416, 20104584, 21120943, 10951344, 21156238, 15365993, 28364669, 23239986, 24010542)

Molecular Genetics Laboratory, University of Michigan
Classification: Likely benign for Breast-ovarian cancer, familial, susceptibility to, 1. Last evaluated: 2016-04-21. Review status: criteria provided, single submitter. Criteria: ACMG Guidelines, 2015. Collection method: clinical testing. Allele origin: germline. Affected: yes.

BRCAlab, Lund University
Classification: Likely benign for Breast-ovarian cancer, familial, susceptibility to, 1. Last evaluated: 2020-03-02. Review status: no assertion criteria provided. Collection method: clinical testing. Allele origin: germline. Affected: yes. Not counted in ClinVar's aggregate classification.

Clinical Genetics Laboratory, Department of Pathology, Netherlands Cancer Institute
Classification: Likely benign. Review status: no assertion criteria provided. Collection method: clinical testing. Allele origin: germline. Affected: yes. Study: VKGL Data-share Consensus. Not counted in ClinVar's aggregate classification.

Joint Genome Diagnostic Labs from Nijmegen and Maastricht, Radboudumc and MUMC+
Classification: Likely benign. Review status: no assertion criteria provided. Collection method: clinical testing. Allele origin: germline. Affected: yes. Study: VKGL Data-share Consensus. Not counted in ClinVar's aggregate classification.

NM_007294.4(BRCA1):c.594-34T>C

Gene: BRCA1 (BRCA1 DNA repair associated; minus strand). Cytogenetic location: 17q21.31.
Variant type: single nucleotide variant.
Coding change: c.594-34T>C on transcript NM_007294.4 (MANE Select); 34 bases into the intron before coding-DNA position 594, T replaced by C.
Molecular consequence: intron variant.
Genome position (GRCh38, 1-based): chr17:43,095,956, A>G on the plus strand (T>C on the coding strand, the complement: BRCA1 is on the minus strand). VCF-style: chr17-43095956-A-G. GRCh37 (hg19) VCF-style: chr17-41247973-A-G.
Other names: c.453-34T>C (NM_001408458.1, NM_001408469.1, NM_001408453.1 and 43 more transcripts); c.-218-1096T>C (NM_001407967.1, NM_001407966.1); c.213-34T>C (NM_001407959.1, NM_001408510.1, NM_001407963.1 and 1 more transcripts); c.404-1096T>C (NM_001407931.1, NM_001407932.1, NM_001408503.1 and 5 more transcripts); c.450-34T>C (NM_001407747.1, NM_001408470.1, NM_001407848.1 and 26 more transcripts); c.210-34T>C (NM_001407962.1); c.167-1096T>C (NM_001408512.1, NM_001407965.1); c.384-34T>C (NM_001407885.1, NM_001407886.1, NM_001407881.1 and 27 more transcripts); and 17 more.
Identifiers: ClinVar variation 225726 (VCV000225726.18), dbSNP rs147314539, ClinGen allele CA056549.
Genomic context (GRCh38, chr17:43,095,956, plus strand): 5'-ATTTGTAACAATTCTTGATCTCCCACACTATAGGGAAAAGACAGAGTCCTAATAAGAAAC[A>G]CTAGTTACATGTATGCAGAACTGTCAAATGACCAAGATCAAACATTTTAGCTCTTTCGAT-3'